The following is an entry in ClinVar:

ClinVar aggregate classification (germline): Uncertain significance (1 of 4 stars; one submission).

Conditions:
IL6ST-related disorder. Also called: IL6ST-related condition.

Submission:

PreventionGenetics, part of Exact Sciences
Classification: Uncertain significance for IL6ST-related condition. Last evaluated: 2025-08-27. Review status: criteria provided, single submitter. Criteria: ACMG Guidelines, 2015. Collection method: clinical testing. Allele origin: germline.
Comment: The IL6ST c.2446A>G variant is predicted to result in the amino acid substitution p.Lys816Glu. To our knowledge, this variant has not been reported in the literature or in a large population database (gnomAD), indicating this variant is rare. At this time, the clinical significance of this variant is uncertain due to the absence of conclusive functional and genetic evidence.

NM_002184.4(IL6ST):c.2446A>G (p.Lys816Glu)

Gene: IL6ST (interleukin 6 cytokine family signal transducer; minus strand). Cytogenetic location: 5q11.2.
Variant type: single nucleotide variant.
Coding change: c.2446A>G on transcript NM_002184.4 (MANE Select); coding-DNA position 2446, A replaced by G.
Protein change: p.Lys816Glu; replaces lysine 816 with glutamic acid.
Molecular consequence: missense variant. On other transcripts: 3 prime UTR variant (1), non-coding transcript variant (2).
Genome position (GRCh38, 1-based): chr5:55,941,393, T>C on the plus strand (A>G on the coding strand, the complement: IL6ST is on the minus strand). VCF-style: chr5-55941393-T-C. GRCh37 (hg19) VCF-style: chr5-55237221-T-C.
Other names: c.2263A>G, p.Lys755Glu (NM_001190981.2); c.2344A>G, p.Lys782Glu (NM_001364275.2); c.2236A>G, p.Lys746Glu (NM_001364276.2); c.1579A>G, p.Lys527Glu (NM_001364277.2); c.1543A>G, p.Lys515Glu (NM_001364278.2); c.1450A>G, p.Lys484Glu (NM_001364279.2); c.*1373A>G (NM_175767.3); short protein forms K484E, K515E, K746E, K755E, K782E, K527E, K816E.
Identifiers: ClinVar variation 4991153 (VCV004991153.1).